The following is an entry in ClinVar:

ClinVar aggregate classification (germline): Uncertain significance. Review status: criteria provided, multiple submitters, no conflicts (2 of 4 stars). 2 submissions from 2 submitters: Uncertain significance (2). Last evaluated 2026-06-29.

Conditions:
Cardiovascular phenotype. Identifiers: MedGen CN230736.

Allele frequency attached by ClinVar (database versions not stated): ExAC 0.00001; TOPMed 0.00002; gnomAD 0.00003; gnomAD exomes 0.00003.
gnomAD v4.1: 46 of 1,613,588 alleles (0.0029%); highest among the groups gnomAD compares: Non-Finnish European, 0.0037%; no homozygotes.

Submissions (2):

Women's Health and Genetics/Laboratory Corporation of America, LabCorp
Classification: Uncertain significance. Last evaluated: 2026-06-29. Review status: criteria provided, single submitter. Criteria: LabCorp Variant Classification Summary - May 2015. Collection method: clinical testing. Allele origin: germline.

Ambry Genetics
Classification: Uncertain significance for Cardiovascular phenotype. Last evaluated: 2025-08-06. Review status: criteria provided, single submitter. Criteria: Ambry Variant Classification Scheme 2023. Collection method: clinical testing. Allele origin: germline.
Comment: The p.H3017P variant (also known as c.9050A>C), located in coding exon 25 of the TNXB gene, results from an A to C substitution at nucleotide position 9050. The histidine at codon 3017 is replaced by proline, an amino acid with similar properties. This amino acid position is conserved. In addition, this alteration is predicted to be tolerated by in silico analysis. Since supporting evidence is limited at this time, the clinical significance of this alteration remains unclear.

NM_001365276.2(TNXB):c.9056A>C (p.His3019Pro)

Gene: TNXB (tenascin XB; minus strand). Cytogenetic location: 6p21.33.
Variant type: single nucleotide variant.
Coding change: c.9056A>C on transcript NM_001365276.2 (MANE Select); coding-DNA position 9056, A replaced by C.
Protein change: p.His3019Pro; replaces histidine 3019 with proline.
Molecular consequence: missense variant.
Genome position (GRCh38, 1-based): chr6:32,052,729, T>G on the plus strand (A>C on the coding strand, the complement: TNXB is on the minus strand). VCF-style: chr6-32052729-T-G. GRCh37 (hg19) VCF-style: chr6-32020506-T-G.
Other names: c.9050A>C, p.His3017Pro (NM_019105.8); short protein forms H3019P, H3017P.
Identifiers: ClinVar variation 2593539 (VCV002593539.4), dbSNP rs781316288, ClinGen allele CA3733665.